The following is an entry in ClinVar:

ClinVar aggregate classification (germline): Uncertain significance. Review status: criteria provided, multiple submitters, no conflicts (2 of 4 stars). 2 submissions from 2 submitters: Uncertain significance (2). Last evaluated 2022-09-19.

Allele frequency attached by ClinVar (database versions not stated): gnomAD 0.00002 and 0.00003; TOPMed 0.00002; gnomAD exomes 0.00003; 1000 Genomes Project 30x 0.00016; 1000 Genomes Project 0.00020.
gnomAD v4.1: 26 of 1,535,376 alleles (0.0017%); highest among the groups gnomAD compares: Middle Eastern, 0.033%; no homozygotes.

Submissions (2):

Labcorp Genetics (formerly Invitae), Labcorp
Classification: Uncertain significance. Last evaluated: 2022-09-19. Review status: criteria provided, single submitter. Criteria: Invitae Variant Classification Sherloc (09022015). Collection method: clinical testing. Allele origin: germline.
Comment: Algorithms developed to predict the effect of missense changes on protein structure and function are either unavailable or do not agree on the potential impact of this missense change (SIFT: "Deleterious"; PolyPhen-2: "Not Available"; Align-GVGD: "Class C0"). In summary, the available evidence is currently insufficient to determine the role of this variant in disease. Therefore, it has been classified as a Variant of Uncertain Significance. ClinVar contains an entry for this variant (Variation ID: 1353458). This variant has not been reported in the literature in individuals affected with PDZD7-related conditions. This variant is present in population databases (rs535407987, gnomAD 0.009%). This sequence change replaces arginine, which is basic and polar, with tryptophan, which is neutral and slightly polar, at codon 933 of the PDZD7 protein (p.Arg933Trp).

Blueprint Genetics
Classification: Uncertain significance. Last evaluated: 2017-07-31. Review status: criteria provided, single submitter. Criteria: ACMG Guidelines, 2015. Collection method: clinical testing. Allele origin: germline.

NM_001195263.2(PDZD7):c.2797C>T (p.Arg933Trp)

Gene: PDZD7 (PDZ domain containing 7; minus strand). Cytogenetic location: 10q24.31.
Variant type: single nucleotide variant.
Coding change: c.2797C>T on transcript NM_001195263.2 (MANE Select); coding-DNA position 2797, C replaced by T.
Protein change: p.Arg933Trp; replaces arginine 933 with tryptophan.
Molecular consequence: missense variant.
Genome position (GRCh38, 1-based): chr10:101,008,772, G>A on the plus strand (C>T on the coding strand, the complement: PDZD7 is on the minus strand). VCF-style: chr10-101008772-G-A. GRCh37 (hg19) VCF-style: chr10-102768529-G-A.
Other names: short protein forms R933W.
Identifiers: ClinVar variation 1353458 (VCV001353458.7), dbSNP rs535407987, ClinGen allele CA212977361.
Genomic context (GRCh38, chr10:101,008,772, plus strand): 5'-TGGGCCCGGGGACCCTGACCACAAGCTCCATGGGCTCCCGGGCCTTGTTTCGATAAGCCC[G>A]ACGGATGGTGTCTACTGCACGCTGGTGGGTCACCTGCTCTAGATTCTCTCCGTCCACTGC-3'
Protein context (NP_001182192.1, residues 923-943): THQRAVDTIR[Arg933Trp]AYRNKAREPM